The following is an entry in ClinVar:

ClinVar aggregate classification (germline): Uncertain significance (1 of 4 stars; one submission).

Conditions:
FADD-related immunodeficiency. Also called: Infections, recurrent, with encephalopathy, hepatic dysfunction, and cardiovascular malformations; FADD DEFICIENCY. Identifiers: Orphanet 306550, MedGen C3151062, MONDO:0013408, OMIM 613759.

Submission:

Labcorp Genetics (formerly Invitae), Labcorp
Classification: Uncertain significance for FADD-related immunodeficiency. Last evaluated: 2024-05-15. Review status: criteria provided, single submitter. Criteria: Invitae Variant Classification Sherloc (09022015). Collection method: clinical testing. Allele origin: germline.
Comment: This sequence change replaces leucine, which is neutral and non-polar, with proline, which is neutral and non-polar, at codon 186 of the FADD protein (p.Leu186Pro). This variant is not present in population databases (gnomAD no frequency). This variant has not been reported in the literature in individuals affected with FADD-related conditions. An algorithm developed to predict the effect of missense changes on protein structure and function (PolyPhen-2) suggests that this variant is likely to be tolerated. In summary, the available evidence is currently insufficient to determine the role of this variant in disease. Therefore, it has been classified as a Variant of Uncertain Significance.

NM_003824.4(FADD):c.557T>C (p.Leu186Pro)

Gene: FADD (Fas associated via death domain; plus strand). Cytogenetic location: 11q13.3.
Variant type: single nucleotide variant.
Coding change: c.557T>C on transcript NM_003824.4 (MANE Select); coding-DNA position 557, T replaced by C.
Protein change: p.Leu186Pro; replaces leucine 186 with proline.
Molecular consequence: missense variant.
Genome position (GRCh38, 1-based): chr11:70,206,403, T>C. VCF-style: chr11-70206403-T-C. GRCh37 (hg19) VCF-style: chr11-70052509-T-C.
Other names: short protein forms L186P.
Identifiers: ClinVar variation 3699573 (VCV003699573.2).
Genomic context (GRCh38, chr11:70,206,403, plus strand): 5'-GGTCCTGCCAGATGAACCTGGTGGCTGACCTGGTACAAGAGGTTCAGCAGGCCCGTGACC[T>C]CCAGAACAGGAGTGGGGCCATGTCCCCGATGTCATGGAACTCAGACGCATCTACCTCCGA-3'
Protein context (NP_003815.1, residues 176-196): LVQEVQQARD[Leu186Pro]QNRSGAMSPM